The following is an entry in ClinVar:

NM_000035.4(ALDOB):c.*505C>A

Gene: ALDOB (aldolase, fructose-bisphosphate B; minus strand). Cytogenetic location: 9q31.1.
Variant type: single nucleotide variant.
Coding change: c.*505C>A on transcript NM_000035.4 (MANE Select); 505 bases downstream of the stop codon, C replaced by A.
Molecular consequence: 3 prime UTR variant.
Genome position (GRCh38, 1-based): chr9:101,421,304, G>T on the plus strand (C>A on the coding strand, the complement: ALDOB is on the minus strand). VCF-style: chr9-101421304-G-T. GRCh37 (hg19) VCF-style: chr9-104183586-G-T.
Other names: c.*505C>A (LRG_1244t1).
Identifiers: ClinVar variation 364299 (VCV000364299.6), dbSNP rs17772845, ClinGen allele CA10628628.
Genomic context (GRCh38, chr9:101,421,304, plus strand): 5'-CTTGATTCCAATGACTAGCAAGAGTTGAAGACCTTTACTGTTGAAACCCAGTCATGTCTA[G>T]TAGAGTCAAAAGTAATGAAATACACTGAGTCTTTGGACAGCAAGAGCAGAAAAGTGAAAC-3'

ClinVar aggregate classification (germline): Benign. Review status: criteria provided, multiple submitters, no conflicts (2 of 4 stars). 2 submissions from 2 submitters: Benign (2). Last evaluated 2018-01-12.

Conditions:
Hereditary fructosuria. Also called: Fructose intolerance; ALDOB DEFICIENCY; ALDOLASE B DEFICIENCY; FRUCTOSE-1,6-BISPHOSPHATE ALDOLASE B DEFICIENCY; FRUCTOSE-1-PHOSPHATE ALDOLASE DEFICIENCY; FRUCTOSEMIA. Identifiers: Orphanet 469, MedGen C0016751, MONDO:0009249, OMIM 229600, HP:0005973. Disease mechanism: loss of function.

Allele frequency attached by ClinVar (database versions not stated): 1000 Genomes Project 0.06250; 1000 Genomes Project 30x 0.06683; TOPMed 0.07746; gnomAD 0.07844 and 0.07871; gnomAD exomes 0.08503.

Submissions (2):

Illumina Laboratory Services, Illumina
Classification: Benign for Hereditary fructosuria. Last evaluated: 2018-01-12. Review status: criteria provided, single submitter. Criteria: ICSL Variant Classification Criteria 13 December 2019. Collection method: clinical testing. Allele origin: germline.
Comment: This variant was observed in the ICSL laboratory as part of a predisposition screen in an ostensibly healthy population. It had not been previously curated by ICSL or reported in the Human Gene Mutation Database (HGMD: prior to June 1st, 2018), and was therefore a candidate for classification through an automated scoring system. Utilizing variant allele frequency, disease prevalence and penetrance estimates, and inheritance mode, an automated score was calculated to assess if this variant is too frequent to cause the disease. Based on the score and internal cut-off values, a variant classified as benign is not then subjected to further curation. The score for this variant resulted in a classification of benign for this disease.

Breakthrough Genomics
Classification: Benign. Review status: criteria provided, single submitter. Criteria: ACMG Guidelines, 2015. Collection method: not provided. Allele origin: germline. Inheritance: Autosomal recessive inheritance. Affected: yes.